The following is an entry in ClinVar:

NM_004304.5(ALK):c.2011C>T (p.Pro671Ser)

Gene: ALK (ALK receptor tyrosine kinase; minus strand). Cytogenetic location: 2p23.2.
Variant type: single nucleotide variant.
Coding change: c.2011C>T on transcript NM_004304.5 (MANE Select); coding-DNA position 2011, C replaced by T.
Protein change: p.Pro671Ser; replaces proline 671 with serine.
Molecular consequence: missense variant.
Genome position (GRCh38, 1-based): chr2:29,275,129, G>A on the plus strand (C>T on the coding strand, the complement: ALK is on the minus strand). VCF-style: chr2-29275129-G-A. GRCh37 (hg19) VCF-style: chr2-29497995-G-A.
Other names: short protein forms P671S.
Identifiers: ClinVar variation 239799 (VCV000239799.36), dbSNP rs145780832, ClinGen allele CA1594465.

ClinVar aggregate classification (germline): Benign. Review status: criteria provided, multiple submitters, no conflicts (2 of 4 stars). 6 submissions from 6 submitters: Benign (5). 1 of the submissions does not count toward it. Last evaluated 2026-01-31.

Conditions:
Hereditary cancer-predisposing syndrome. Also called: Tumor predisposition; Hereditary Cancer Syndrome; Neoplastic Syndromes, Hereditary; Hereditary neoplastic syndrome. Identifiers: Orphanet 140162, MedGen C0027672, MeSH D009386, MONDO:0015356.
Neuroblastoma, susceptibility to, 3. Also called: ALK-Related Neuroblastic Tumor Susceptibility. Identifiers: Orphanet 635, MedGen C2751681, MONDO:0013083, OMIM 613014.

Allele frequency attached by ClinVar (database versions not stated): TOPMed 0.00005; gnomAD 0.00006; ESP Exome Variant Server 0.00008; gnomAD exomes 0.00153; ExAC 0.00173; 1000 Genomes Project 30x 0.00219; 1000 Genomes Project 0.00260.
gnomAD v4.1: 1,216 of 1,614,130 alleles (0.075%); highest among the groups gnomAD compares: South Asian, 1.2%; 19 homozygotes.

Submissions (6):

Labcorp Genetics (formerly Invitae), Labcorp
Classification: Benign for Neuroblastoma, susceptibility to, 3. Last evaluated: 2026-01-31. Review status: criteria provided, single submitter. Criteria: Invitae Variant Classification Sherloc (09022015). Collection method: clinical testing. Allele origin: germline.

CeGaT Center for Human Genetics Tuebingen
Classification: Benign. Last evaluated: 2024-07-01. Review status: criteria provided, single submitter. Criteria: CeGaT Center For Human Genetics Tuebingen Variant Classification Criteria Version 2. Collection method: clinical testing. Allele origin: germline. Affected: yes. Observed: 1 variant allele.
Comment: ALK: BP4, BS1, BS2

Ambry Genetics
Classification: Benign for Hereditary cancer-predisposing syndrome. Last evaluated: 2024-06-26. Review status: criteria provided, single submitter. Criteria: Ambry Variant Classification Scheme 2023. Collection method: clinical testing. Allele origin: germline.

KCCC/NGS Laboratory, Kuwait Cancer Control Center
Classification: Benign for Neuroblastoma, susceptibility to, 3. Last evaluated: 2023-07-07. Review status: criteria provided, single submitter. Criteria: ACMG Guidelines, 2015. Collection method: clinical testing. Allele origin: germline. Affected: yes.

Illumina Laboratory Services, Illumina
Classification: Benign for Neuroblastoma, susceptibility to, 3. Last evaluated: 2018-01-13. Review status: criteria provided, single submitter. Criteria: ICSL Variant Classification Criteria 13 December 2019. Collection method: clinical testing. Allele origin: germline.
Comment: This variant was observed in the ICSL laboratory as part of a predisposition screen in an ostensibly healthy population. It had not been previously curated by ICSL or reported in the Human Gene Mutation Database (HGMD: prior to June 1st, 2018), and was therefore a candidate for classification through an automated scoring system. Utilizing variant allele frequency, disease prevalence and penetrance estimates, and inheritance mode, an automated score was calculated to assess if this variant is too frequent to cause the disease. Based on the score and internal cut-off values, a variant classified as benign is not then subjected to further curation. The score for this variant resulted in a classification of benign for this disease.

Department of Pathology and Laboratory Medicine, Sinai Health System
Classification: Benign. Review status: no assertion criteria provided. Collection method: clinical testing. Allele origin: unknown. Affected: yes. Study: The Canadian Open Genetics Repository (COGR). Not counted in ClinVar's aggregate classification.
Comment: The ALK p.P671S variant was not identified in the literature but was identified in dbSNP (ID: rs145780832), ClinVar (classified as benign by Invitae and Illumina), and COSMIC (identified in a large intestine sample). The variant was identified in control databases in 387 of 282890 chromosomes (4 homozygous) at a frequency of 0.001368, and was observed at the highest frequency in the South Asian population in 371 of 30616 chromosomes (freq: 0.01212) (Genome Aggregation Database March 6, 2019, v2.1.1). The p.P671 residue is not conserved in mammals and computational analyses (MUT Assesor, PolyPhen-2, SIFT, MutationTaster, Revel, FATHMM, MetaLR, DANN) do not suggest a high likelihood of impact to the protein. The variant occurs outside of the splicing consensus sequence and in silico or computational prediction software programs (Splice AI exome) do not predict a difference in splicing. In summary, based on the above information this variant meets our laboratory's criteria to be classified as benign.